The following is an entry in ClinVar:

ClinVar aggregate classification (germline): Conflicting classifications of pathogenicity. Review status: criteria provided, conflicting classifications (1 of 4 stars). 3 submissions from 3 submitters: Uncertain significance (2); Likely benign (1). Last evaluated 2025-12-15.

Conditions:
Inborn genetic diseases. Identifiers: MedGen C0950123, MeSH D030342.
Fibrous dysplasia of jaw (CRBM). Also called: Cherubism. Identifiers: Orphanet 184, MedGen C0008029, MONDO:0007315, OMIM 118400.

Allele frequency attached by ClinVar (database versions not stated): TOPMed 0.00012; ESP Exome Variant Server 0.00015; ExAC 0.00002; gnomAD exomes 0.00002; gnomAD 0.00010.
gnomAD v4.1: 42 of 1,613,796 alleles (0.0026%); highest among the groups gnomAD compares: African/African-American, 0.037%; no homozygotes.

Submissions (3):

Ambry Genetics
Classification: Uncertain significance for Inborn genetic diseases. Last evaluated: 2025-12-15. Review status: criteria provided, single submitter. Criteria: Ambry Variant Classification Scheme 2023. Collection method: clinical testing. Allele origin: germline.

Mayo Clinic Laboratories, Mayo Clinic
Classification: Likely benign. Last evaluated: 2025-10-16. Review status: criteria provided, single submitter. Criteria: ACMG Guidelines, 2015. Collection method: clinical testing. Allele origin: germline. Observed: 1 variant allele.
Comment: BS1, BP4

Labcorp Genetics (formerly Invitae), Labcorp
Classification: Uncertain significance for Fibrous dysplasia of jaw. Last evaluated: 2025-01-23. Review status: criteria provided, single submitter. Criteria: Invitae Variant Classification Sherloc (09022015). Collection method: clinical testing. Allele origin: germline.
Comment: This sequence change replaces threonine, which is neutral and polar, with isoleucine, which is neutral and non-polar, at codon 317 of the SH3BP2 protein (p.Thr317Ile). This variant is present in population databases (rs371366593, gnomAD 0.02%). This variant has not been reported in the literature in individuals affected with SH3BP2-related conditions. ClinVar contains an entry for this variant (Variation ID: 655248). Invitae Evidence Modeling of protein sequence and biophysical properties (such as structural, functional, and spatial information, amino acid conservation, physicochemical variation, residue mobility, and thermodynamic stability) indicates that this missense variant is not expected to disrupt SH3BP2 protein function with a negative predictive value of 95%. In summary, the available evidence is currently insufficient to determine the role of this variant in disease. Therefore, it has been classified as a Variant of Uncertain Significance.

NM_001122681.2(SH3BP2):c.950C>T (p.Thr317Ile)

Gene: SH3BP2 (SH3 domain binding protein 2; plus strand). Cytogenetic location: 4p16.3.
Variant type: single nucleotide variant.
Coding change: c.950C>T on transcript NM_001122681.2 (MANE Select); coding-DNA position 950, C replaced by T.
Protein change: p.Thr317Ile; replaces threonine 317 with isoleucine.
Molecular consequence: missense variant.
Genome position (GRCh38, 1-based): chr4:2,829,856, C>T. VCF-style: chr4-2829856-C-T. GRCh37 (hg19) VCF-style: chr4-2831583-C-T.
Other names: p.Thr317Ile; c.950C>T, p.Thr317Ile (LRG_1334t1, NM_003023.4); c.1034C>T, p.Thr345Ile (LRG_1334t2, NM_001145855.2); c.1121C>T, p.Thr374Ile (NM_001145856.2); short protein forms T374I, T317I, T345I.
Identifiers: ClinVar variation 655248 (VCV000655248.9), dbSNP rs371366593, ClinGen allele CA2819364.
Genomic context (GRCh38, chr4:2,829,856, plus strand): 5'-TCCGGGAGAGTGCCAGCCCCAGCCCGGAGCCCTGGACCCCTGGCCACGGGGCCTGCTCCA[C>T]TTCCAGTGCTGCCATCATGGCCACTGCCACCTCCAGAAACTGTGACAAACTCAAGTCCTT-3'
Protein context (NP_001116153.1, residues 307-327): PWTPGHGACS[Thr317Ile]SSAAIMATAT